The following is an entry in ClinVar:

NM_203446.3(SYNJ1):c.2473G>T (p.Asp825Tyr)

Gene: SYNJ1 (synaptojanin 1; minus strand). Cytogenetic location: 21q22.11.
Variant type: single nucleotide variant.
Coding change: c.2473G>T on transcript NM_203446.3 (MANE Select); coding-DNA position 2473, G replaced by T.
Protein change: p.Asp825Tyr; replaces aspartic acid 825 with tyrosine.
Molecular consequence: missense variant.
Genome position (GRCh38, 1-based): chr21:32,657,109, C>A on the plus strand (G>T on the coding strand, the complement: SYNJ1 is on the minus strand). VCF-style: chr21-32657109-C-A. GRCh37 (hg19) VCF-style: chr21-34029419-C-A.
Other names: c.2473G>T, p.Asp825Tyr (NM_001160302.2); c.2458G>T, p.Asp820Tyr (NM_001160306.2); c.2590G>T, p.Asp864Tyr (NM_003895.4); short protein forms D864Y, D825Y, D820Y.
Identifiers: ClinVar variation 1473382 (VCV001473382.8), dbSNP rs2145853930, ClinGen allele CA410074714.

ClinVar aggregate classification (germline): Uncertain significance (1 of 4 stars; one submission).

Conditions:
Developmental and epileptic encephalopathy, 53. Also called: Epileptic encephalopathy, early infantile, 53. Identifiers: MedGen C4479313, MONDO:0033362, OMIM 617389.
Early-onset Parkinson disease 20. Also called: PARKINSON DISEASE 20, AUTOSOMAL RECESSIVE EARLY-ONSET. Identifiers: Orphanet 391411, MedGen C3809824, MONDO:0014233, OMIM 615530.

Submission:

Labcorp Genetics (formerly Invitae), Labcorp
Classification: Uncertain significance for Developmental and epileptic encephalopathy, 53; Early-onset Parkinson disease 20. Last evaluated: 2022-11-22. Review status: criteria provided, single submitter. Criteria: Invitae Variant Classification Sherloc (09022015). Collection method: clinical testing. Allele origin: germline.
Comment: This variant has not been reported in the literature in individuals affected with SYNJ1-related conditions. In summary, the available evidence is currently insufficient to determine the role of this variant in disease. Therefore, it has been classified as a Variant of Uncertain Significance. Advanced modeling of protein sequence and biophysical properties (such as structural, functional, and spatial information, amino acid conservation, physicochemical variation, residue mobility, and thermodynamic stability) has been performed at Invitae for this missense variant, however the output from this modeling did not meet the statistical confidence thresholds required to predict the impact of this variant on SYNJ1 protein function. ClinVar contains an entry for this variant (Variation ID: 1473382). This variant is not present in population databases (gnomAD no frequency). This sequence change replaces aspartic acid, which is acidic and polar, with tyrosine, which is neutral and polar, at codon 864 of the SYNJ1 protein (p.Asp864Tyr).